The following is an entry in ClinVar:

ClinVar aggregate classification (germline): Benign/Likely benign. Review status: criteria provided, multiple submitters, no conflicts (2 of 4 stars). 6 submissions from 6 submitters: Benign (3); Likely benign (2). 1 of the submissions does not count toward it. Last evaluated 2026-01-26.

Conditions:
SLC12A1-related disorder. Also called: SLC12A1-related condition.
Bartter disease type 1. Also called: HYPERPROSTAGLANDIN E SYNDROME 1; HYPOKALEMIC ALKALOSIS WITH HYPERCALCIURIA 1, ANTENATAL; Bartter syndrome, type 1, antenatal; Bartter Syndrome type 1. Identifiers: Orphanet 112, Orphanet 620217, MedGen C1866495, MONDO:0100344, OMIM 601678, MONDO:0011127.

Allele frequency attached by ClinVar (database versions not stated): gnomAD exomes 0.00063; ExAC 0.00078; 1000 Genomes Project 0.00140; 1000 Genomes Project 30x 0.00156; gnomAD 0.00249; TOPMed 0.00262; ESP Exome Variant Server 0.00323.
gnomAD v4.1: 699 of 1,578,558 alleles (0.044%); highest among the groups gnomAD compares: African/African-American, 0.84%; 4 homozygotes.

Submissions (6):

Labcorp Genetics (formerly Invitae), Labcorp
Classification: Benign. Last evaluated: 2026-01-26. Review status: criteria provided, single submitter. Criteria: Invitae Variant Classification Sherloc (09022015). Collection method: clinical testing. Allele origin: germline.

Mayo Clinic Laboratories, Mayo Clinic
Classification: Likely benign. Last evaluated: 2025-12-05. Review status: criteria provided, single submitter. Criteria: ACMG Guidelines, 2015. Collection method: clinical testing. Allele origin: germline. Observed: 2 variant alleles.
Comment: BS1, BP4

Blueprint Genetics
Classification: Likely benign. Last evaluated: 2024-09-23. Review status: criteria provided, single submitter. Criteria: ACMG Guidelines, 2015. Collection method: clinical testing. Allele origin: germline.

Illumina Laboratory Services, Illumina
Classification: Benign for Bartter disease type 1. Last evaluated: 2017-04-28. Review status: criteria provided, single submitter. Criteria: ICSL Variant Classification Criteria 13 December 2019. Collection method: clinical testing. Allele origin: germline.
Comment: This variant was observed as part of a predisposition screen in an ostensibly healthy population. A literature search was performed for the gene, cDNA change, and amino acid change (where applicable). No publications were found based on this search. Allele frequency data from public databases was too high to be consistent with this variant causing disease. Therefore, this variant is classified as benign.

Breakthrough Genomics
Classification: Benign. Review status: criteria provided, single submitter. Criteria: ACMG Guidelines, 2015. Collection method: not provided. Allele origin: germline. Inheritance: Autosomal recessive inheritance. Affected: yes.

PreventionGenetics, part of Exact Sciences
Classification: Benign for SLC12A1-related condition. Last evaluated: 2019-08-28. Review status: no assertion criteria provided. Collection method: clinical testing. Allele origin: germline. Not counted in ClinVar's aggregate classification.
Comment: This variant is classified as benign based on ACMG/AMP sequence variant interpretation guidelines (Richards et al. 2015 PMID: 25741868, with internal and published modifications).

NM_000338.3(SLC12A1):c.415G>A (p.Ala139Thr)

Gene: SLC12A1 (solute carrier family 12 member 1; plus strand). Cytogenetic location: 15q21.1.
Variant type: single nucleotide variant.
Coding change: c.415G>A on transcript NM_000338.3 (MANE Select); coding-DNA position 415, G replaced by A.
Protein change: p.Ala139Thr; replaces alanine 139 with threonine.
Molecular consequence: missense variant.
Genome position (GRCh38, 1-based): chr15:48,208,134, G>A. VCF-style: chr15-48208134-G-A. GRCh37 (hg19) VCF-style: chr15-48500331-G-A.
Other names: p.Ala139Thr; c.415G>A, p.Ala139Thr (NM_001184832.2); short protein forms A139T.
Identifiers: ClinVar variation 785487 (VCV000785487.19), dbSNP rs144128875, ClinGen allele CA7546746.